The following is an entry in ClinVar:

NM_014780.5(CUL7):c.2359C>T (p.Arg787Cys)

Gene: CUL7 (cullin 7; minus strand). Cytogenetic location: 6p21.1.
Variant type: single nucleotide variant.
Coding change: c.2359C>T on transcript NM_014780.5 (MANE Select); coding-DNA position 2359, C replaced by T.
Protein change: p.Arg787Cys; replaces arginine 787 with cysteine.
Molecular consequence: missense variant.
Genome position (GRCh38, 1-based): chr6:43,046,918, G>A on the plus strand (C>T on the coding strand, the complement: CUL7 is on the minus strand). VCF-style: chr6-43046918-G-A. GRCh37 (hg19) VCF-style: chr6-43014656-G-A.
Other names: c.2455C>T, p.Arg819Cys (NM_001168370.2, NM_001374872.1); c.2359C>T, p.Arg787Cys (NM_001374873.1, NM_001374874.1); short protein forms R787C, R819C.
Identifiers: ClinVar variation 2420743 (VCV002420743.7), dbSNP rs140769382, ClinGen allele CA3813916.

ClinVar aggregate classification (germline): Uncertain significance. Review status: criteria provided, multiple submitters, no conflicts (2 of 4 stars). 2 submissions from 2 submitters: Uncertain significance (2). Last evaluated 2023-10-30.

Allele frequency attached by ClinVar (database versions not stated): TOPMed below 0.00001; ExAC 0.00001; gnomAD exomes 0.00001; ESP Exome Variant Server 0.00008.
gnomAD v4.1: 7 of 1,612,190 alleles (0.00043%); highest among the groups gnomAD compares: East Asian, 0.0022%; no homozygotes.

Submissions (2):

Labcorp Genetics (formerly Invitae), Labcorp
Classification: Uncertain significance. Last evaluated: 2023-10-30. Review status: criteria provided, single submitter. Criteria: Invitae Variant Classification Sherloc (09022015). Collection method: clinical testing. Allele origin: germline.
Comment: This sequence change replaces arginine, which is basic and polar, with cysteine, which is neutral and slightly polar, at codon 787 of the CUL7 protein (p.Arg787Cys). This variant is present in population databases (rs140769382, gnomAD 0.01%). This variant has not been reported in the literature in individuals affected with CUL7-related conditions. ClinVar contains an entry for this variant (Variation ID: 2420743). Advanced modeling of protein sequence and biophysical properties (such as structural, functional, and spatial information, amino acid conservation, physicochemical variation, residue mobility, and thermodynamic stability) performed at Invitae indicates that this missense variant is not expected to disrupt CUL7 protein function with a negative predictive value of 80%. In summary, the available evidence is currently insufficient to determine the role of this variant in disease. Therefore, it has been classified as a Variant of Uncertain Significance.

Blueprint Genetics
Classification: Uncertain significance. Last evaluated: 2022-12-19. Review status: criteria provided, single submitter. Criteria: ACMG Guidelines, 2015. Collection method: clinical testing. Allele origin: germline.